The following is an entry in ClinVar:

ClinVar aggregate classification (germline): Uncertain significance. Review status: criteria provided, multiple submitters, no conflicts (2 of 4 stars). 2 submissions from 2 submitters: Uncertain significance (2). Last evaluated 2026-04-20.

Conditions:
Neurofibromatosis, type 1 (NF1). Also called: VON RECKLINGHAUSEN DISEASE; NEUROFIBROMATOSIS, TYPE I, SOMATIC; Peripheral type neurofibromatosis; Neurofibromatosis, type I. Identifiers: Orphanet 636, MedGen C0027831, MONDO:0018975, OMIM 162200. Disease mechanism: loss of function.
Cardiovascular phenotype. Identifiers: MedGen CN230736.
Hereditary cancer-predisposing syndrome. Also called: Neoplastic Syndromes, Hereditary; Tumor predisposition; Hereditary Cancer Syndrome; Hereditary neoplastic syndrome. Identifiers: Orphanet 140162, MedGen C0027672, MeSH D009386, MONDO:0015356.

Submissions (2):

Ambry Genetics
Classification: Uncertain significance for Cardiovascular phenotype; Hereditary cancer-predisposing syndrome. Last evaluated: 2026-04-20. Review status: criteria provided, single submitter. Criteria: Ambry Variant Classification Scheme 2023. Collection method: clinical testing. Allele origin: germline.
Comment: The c.6756+3_6756+4delAC intronic variant begins 3 nucleotides after coding exon 44 in the NF1 gene. This variant results from a deletion of 2 nucleotides at positions c.6756+3 to c.6756+4. These nucleotide positions are not well conserved in available vertebrate species. In silico splice site analysis for this alteration is inconclusive. Based on the available evidence, the clinical significance of this variant remains unclear.

Labcorp Genetics (formerly Invitae), Labcorp
Classification: Uncertain significance for Neurofibromatosis, type 1. Last evaluated: 2021-12-11. Review status: criteria provided, single submitter. Criteria: Invitae Variant Classification Sherloc (09022015). Collection method: clinical testing. Allele origin: germline.
Comment: In summary, the available evidence is currently insufficient to determine the role of this variant in disease. Therefore, it has been classified as a Variant of Uncertain Significance. Variants that disrupt the consensus splice site are a relatively common cause of aberrant splicing (PMID: 17576681, 9536098). Algorithms developed to predict the effect of sequence changes on RNA splicing suggest that this variant may disrupt the consensus splice site. This variant has not been reported in the literature in individuals affected with NF1-related conditions. This variant is not present in population databases (gnomAD no frequency). This sequence change falls in intron 44 of the NF1 gene. It does not directly change the encoded amino acid sequence of the NF1 protein. It affects a nucleotide within the consensus splice site.

Literature cited by the submitters: PubMed 17576681 (cited by Labcorp Genetics (formerly Invitae), Labcorp); PubMed 9536098 (cited by Labcorp Genetics (formerly Invitae), Labcorp).

NM_001042492.3(NF1):c.6819+3_6819+4del

Gene: NF1 (neurofibromin 1; plus strand). Cytogenetic location: 17q11.2.
Variant type: Deletion.
Coding change: c.6819+3_6819+4del on transcript NM_001042492.3 (MANE Select); bases 3 to 4 of the intron after coding-DNA position 6819, 2 bases deleted (AC; older notation c.6819+3_6819+4delAC).
Molecular consequence: intron variant.
Genome position (GRCh38, 1-based): chr17:31,338,142-31,338,143, AC deleted. VCF-style (leftmost placement, unchanged base first): chr17-31338141-TAC-T. GRCh37 (hg19) VCF-style: chr17-29665159-TAC-T.
Other names: c.6756+3_6756+4delAC (NM_000267.3); c.6756+3_6756+4del (NM_000267.4).
Identifiers: ClinVar variation 2039771 (VCV002039771.5), dbSNP rs2508759932, ClinGen allele CA2580093149.